The following is an entry in ClinVar:

ClinVar aggregate classification (germline): Uncertain significance (1 of 4 stars; one submission).

Conditions:
Charcot-Marie-Tooth disease type 2. Also called: Charcot-Marie-Tooth type 2. Identifiers: Orphanet 64746, MedGen C0270914, MONDO:0018993.

Submission:

Labcorp Genetics (formerly Invitae), Labcorp
Classification: Uncertain significance for Charcot-Marie-Tooth disease type 2. Last evaluated: 2023-04-15. Review status: criteria provided, single submitter. Criteria: Invitae Variant Classification Sherloc (09022015). Collection method: clinical testing. Allele origin: germline.
Comment: In summary, the available evidence is currently insufficient to determine the role of this variant in disease. Therefore, it has been classified as a Variant of Uncertain Significance. Advanced modeling of protein sequence and biophysical properties (such as structural, functional, and spatial information, amino acid conservation, physicochemical variation, residue mobility, and thermodynamic stability) performed at Invitae indicates that this missense variant is not expected to disrupt KIF1B protein function. This variant has not been reported in the literature in individuals affected with KIF1B-related conditions. This variant is not present in population databases (gnomAD no frequency). This sequence change replaces glutamic acid, which is acidic and polar, with glycine, which is neutral and non-polar, at codon 426 of the KIF1B protein (p.Glu426Gly).

NM_001365951.3(KIF1B):c.1415A>G (p.Glu472Gly)

Gene: KIF1B (kinesin family member 1B; plus strand). Cytogenetic location: 1p36.22.
Variant type: single nucleotide variant.
Coding change: c.1415A>G on transcript NM_001365951.3 (MANE Select); coding-DNA position 1415, A replaced by G.
Protein change: p.Glu472Gly; replaces glutamic acid 472 with glycine.
Molecular consequence: missense variant.
Genome position (GRCh38, 1-based): chr1:10,282,514, A>G. VCF-style: chr1-10282514-A-G. GRCh37 (hg19) VCF-style: chr1-10342572-A-G.
Other names: c.1415A>G, p.Glu472Gly (NM_001365952.1); c.1277A>G, p.Glu426Gly (NM_001365953.1, NM_015074.3, NM_183416.4); short protein forms E472G, E426G.
Identifiers: ClinVar variation 2869546 (VCV002869546.3), dbSNP rs2521257636, ClinGen allele CA338336682.
Genomic context (GRCh38, chr1:10,282,514, plus strand): 5'-TGGGCTTGACGTCTGTGACCAGTATTCAAGAGAGGATCATGTCTACACCTGGAGGAGAGG[A>G]AGCTATTGAACGTTTAAAGGTAAGTAATAGTTCAGACTGAATACAAGGTATTCTATGTAG-3'
Protein context (NP_001352880.1, residues 462-482): ERIMSTPGGE[Glu472Gly]AIERLKESEK